The following is an entry in ClinVar:

ClinVar aggregate classification (germline): Uncertain significance (1 of 4 stars; one submission).

Conditions:
Hereditary pancreatitis (PCTT). Also called: Hereditary chronic pancreatitis; PRSS1-Related Hereditary Pancreatitis. Identifiers: Orphanet 676, MedGen C0238339, MONDO:0008185, OMIM 167800.

Submission:

Ambry Genetics
Classification: Uncertain significance for Hereditary pancreatitis. Last evaluated: 2024-11-06. Review status: criteria provided, single submitter. Criteria: Ambry Variant Classification Scheme 2023. Collection method: clinical testing. Allele origin: germline.
Comment: The p.Y45H variant (also known as c.133T>C), located in coding exon 2 of the PRSS1 gene, results from a T to C substitution at nucleotide position 133. The tyrosine at codon 45 is replaced by histidine, an amino acid with similar properties. This amino acid position is conserved. In addition, the in silico prediction for this alteration is inconclusive. Based on the available evidence, the clinical significance of this variant remains unclear.

NM_002769.5(PRSS1):c.133T>C (p.Tyr45His)

Genes: PRSS1 (serine protease 1; plus strand), TRB (T cell receptor beta locus; plus strand). Cytogenetic location: 7q34.
Variant type: single nucleotide variant.
Coding change: c.133T>C on transcript NM_002769.5 (MANE Select); coding-DNA position 133, T replaced by C.
Protein change: p.Tyr45His; replaces tyrosine 45 with histidine.
Molecular consequence: missense variant. On other transcripts: non-coding transcript variant (4).
Genome position (GRCh38, 1-based): chr7:142,750,647, T>C. VCF-style: chr7-142750647-T-C. GRCh37 (hg19) VCF-style: chr7-142458498-T-C.
Other names: short protein forms Y45H.
Identifiers: ClinVar variation 3426341 (VCV003426341.1).